The following is an entry in ClinVar:

ClinVar aggregate classification (germline): Uncertain significance. Review status: criteria provided, multiple submitters, no conflicts (2 of 4 stars). 3 submissions from 3 submitters: Uncertain significance (3). Last evaluated 2026-01-16.

Conditions:
Hereditary cancer-predisposing syndrome. Also called: Hereditary Cancer Syndrome; Hereditary neoplastic syndrome; Neoplastic Syndromes, Hereditary; Tumor predisposition. Identifiers: Orphanet 140162, MedGen C0027672, MeSH D009386, MONDO:0015356.
Facial dysmorphism-immunodeficiency-livedo-short stature syndrome. Also called: Facial dysmorphism, immunodeficiency, livedo, and short stature; FILS syndrome. Identifiers: Orphanet 352712, MedGen C3554576, MONDO:0014058, OMIM 615139.
Colorectal cancer, susceptibility to, 12 (CRCS12). Also called: COLORECTAL CANCER, SUSCEPTIBILITY TO, ON CHROMOSOME 12q24. Identifiers: Orphanet 220460, MedGen C3554460, MONDO:0014038, OMIM 615083.
Intrauterine growth retardation, metaphyseal dysplasia, adrenal hypoplasia congenita, genital anomalies, and immunodeficiency. Also called: IMAGEI SYNDROME. Identifiers: MedGen C5193036, MONDO:0032684, OMIM 618336.

Allele frequency attached by ClinVar (database versions not stated): gnomAD exomes below 0.00001 and 0.00001; ExAC 0.00001; gnomAD 0.00001; TOPMed 0.00001.
gnomAD v4.1: 12 of 1,613,816 alleles (0.00074%); highest among the groups gnomAD compares: Non-Finnish European, 0.001%; no homozygotes.

Submissions (3):

Labcorp Genetics (formerly Invitae), Labcorp
Classification: Uncertain significance. Last evaluated: 2026-01-16. Review status: criteria provided, single submitter. Criteria: Invitae Variant Classification Sherloc (09022015). Collection method: clinical testing. Allele origin: germline.
Comment: This sequence change replaces aspartic acid, which is acidic and polar, with glutamic acid, which is acidic and polar, at codon 2128 of the POLE protein (p.Asp2128Glu). This variant is present in population databases (rs758101414, gnomAD 0.0009%). This variant has not been reported in the literature in individuals affected with POLE-related conditions. ClinVar contains an entry for this variant (Variation ID: 405707). Invitae Evidence Modeling of protein sequence and biophysical properties (such as structural, functional, and spatial information, amino acid conservation, physicochemical variation, residue mobility, and thermodynamic stability) indicates that this missense variant is not expected to disrupt POLE protein function with a negative predictive value of 80%. In summary, the available evidence is currently insufficient to determine the role of this variant in disease. Therefore, it has been classified as a Variant of Uncertain Significance.

Ambry Genetics
Classification: Uncertain significance for Hereditary cancer-predisposing syndrome. Last evaluated: 2024-03-21. Review status: criteria provided, single submitter. Criteria: Ambry Variant Classification Scheme 2023. Collection method: clinical testing. Allele origin: germline.
Comment: The p.D2128E variant (also known as c.6384C>A), located in coding exon 46 of the POLE gene, results from a C to A substitution at nucleotide position 6384. The aspartic acid at codon 2128 is replaced by glutamic acid, an amino acid with highly similar properties. This amino acid position is conserved. In addition, this alteration is predicted to be tolerated by in silico analysis. Since supporting evidence is limited at this time, the clinical significance of this alteration remains unclear.

Department of Pathology and Laboratory Medicine, Sinai Health System
Classification: Uncertain significance for Colorectal cancer, susceptibility to, 12; Facial dysmorphism-immunodeficiency-livedo-short stature syndrome; Intrauterine growth retardation, metaphyseal dysplasia, adrenal hypoplasia congenita, genital anomalies, and immunodeficiency. Last evaluated: 2021-07-30. Review status: criteria provided, single submitter. Criteria: ACMG Guidelines, 2015. Collection method: research. Allele origin: germline.

NM_006231.4(POLE):c.6384C>A (p.Asp2128Glu)

Gene: POLE (DNA polymerase epsilon, catalytic subunit; minus strand). Cytogenetic location: 12q24.33.
Variant type: single nucleotide variant.
Coding change: c.6384C>A on transcript NM_006231.4 (MANE Select); coding-DNA position 6384, C replaced by A.
Protein change: p.Asp2128Glu; replaces aspartic acid 2128 with glutamic acid.
Molecular consequence: missense variant.
Genome position (GRCh38, 1-based): chr12:132,626,264, G>T on the plus strand (C>A on the coding strand, the complement: POLE is on the minus strand). VCF-style: chr12-132626264-G-T. GRCh37 (hg19) VCF-style: chr12-133202850-G-T.
Other names: short protein forms D2128E.
Identifiers: ClinVar variation 405707 (VCV000405707.13), dbSNP rs758101414, ClinGen allele CA6892190.